The following is an entry in ClinVar:

ClinVar aggregate classification (germline): Uncertain significance (1 of 4 stars; one submission).

Conditions:
Hereditary cancer-predisposing syndrome. Also called: Neoplastic Syndromes, Hereditary; Hereditary neoplastic syndrome; Tumor predisposition; Hereditary Cancer Syndrome. Identifiers: Orphanet 140162, MedGen C0027672, MeSH D009386, MONDO:0015356.

gnomAD v4.1: 1 of 1,613,088 alleles (0.000062%); no homozygotes.

Submission:

Ambry Genetics
Classification: Uncertain significance for Hereditary cancer-predisposing syndrome. Last evaluated: 2026-02-27. Review status: criteria provided, single submitter. Criteria: Ambry Variant Classification Scheme 2023. Collection method: clinical testing. Allele origin: germline.
Comment: The p.Q275P variant (also known as c.824A>C), located in coding exon 8 of the PMS2 gene, results from an A to C substitution at nucleotide position 824. The glutamine at codon 275 is replaced by proline, an amino acid with similar properties. This amino acid position is poorly conserved in available vertebrate species. In addition, this alteration is predicted to be tolerated by in silico analysis. Based on the available evidence, the clinical significance of this variant remains unclear.

NM_000535.7(PMS2):c.824A>C (p.Gln275Pro)

Gene: PMS2 (PMS1 homolog 2, mismatch repair system component; minus strand). Cytogenetic location: 7p22.1.
Variant type: single nucleotide variant.
Coding change: c.824A>C on transcript NM_000535.7 (MANE Select); coding-DNA position 824, A replaced by C.
Protein change: p.Gln275Pro; replaces glutamine 275 with proline.
Molecular consequence: missense variant. On other transcripts: non-coding transcript variant (1), intron variant (4), 5 prime UTR variant (2).
Genome position (GRCh38, 1-based): chr7:5,995,613, T>G on the plus strand (A>C on the coding strand, the complement: PMS2 is on the minus strand). VCF-style: chr7-5995613-T-G. GRCh37 (hg19) VCF-style: chr7-6035244-T-G.
Other names: c.515A>C, p.Gln172Pro (NM_001406900.1, NM_001322015.2, NM_001406875.1 and 6 more transcripts); c.506A>C, p.Gln169Pro (NM_001406901.1, NM_001406902.1, NM_001406903.1 and 4 more transcripts); c.311A>C, p.Gln104Pro (NM_001406904.1, NM_001406905.1); c.419A>C, p.Gln140Pro (NM_001406906.1, NM_001406907.1, NM_001406908.1 and 19 more transcripts); c.251A>C, p.Gln84Pro (NM_001406909.1, NM_001322013.2); c.133-3556A>C (NM_001406911.1); c.538-3556A>C (NM_001406886.1); c.705+3495A>C (NM_001406873.1); and 8 more; short protein forms Q140P, Q169P, Q104P, Q84P, Q172P, Q275P, Q163P, Q219P.
Identifiers: ClinVar variation 4824570 (VCV004824570.1).